The following is an entry in ClinVar:

NM_000179.3(MSH6):c.3116A>T (p.Asn1039Ile)

Gene: MSH6 (mutS homolog 6; plus strand). Cytogenetic location: 2p16.3.
Variant type: single nucleotide variant.
Coding change: c.3116A>T on transcript NM_000179.3 (MANE Select); coding-DNA position 3116, A replaced by T.
Protein change: p.Asn1039Ile; replaces asparagine 1039 with isoleucine.
Molecular consequence: missense variant. On other transcripts: non-coding transcript variant (5), intron variant (2).
Genome position (GRCh38, 1-based): chr2:47,801,099, A>T. VCF-style: chr2-47801099-A-T. GRCh37 (hg19) VCF-style: chr2-48028238-A-T.
Other names: c.2726A>T, p.Asn909Ile (NM_001281492.2); c.2210A>T, p.Asn737Ile (NM_001281493.2, NM_001281494.2, NM_001406811.1 and 6 more transcripts); c.3212A>T, p.Asn1071Ile (NM_001406795.1, NM_001406802.1); c.3116A>T, p.Asn1039Ile (NM_001406796.1, NM_001406798.1, NM_001406800.1 and 2 more transcripts); c.2819A>T, p.Asn940Ile (NM_001406797.1, NM_001406801.1, NM_001406805.1 and 10 more transcripts); c.2591A>T, p.Asn864Ile (NM_001406799.1, NM_001406806.1, NM_001406807.1); c.3038A>T, p.Asn1013Ile (NM_001406804.1); c.3122A>T, p.Asn1041Ile (NM_001406813.1); and 4 more; short protein forms N1013I, N1039I, N1041I, N1071I, N354I, N737I, N864I, N909I.
Identifiers: ClinVar variation 3230543 (VCV003230543.1), dbSNP rs1553414532, ClinGen allele CA346756626.
Genomic context (GRCh38, chr2:47,801,099, plus strand): 5'-TAAATGCTGAAGAACGGAGGGATGTATCATTGAAGGACTGCATGCGGCGACTGTTCTATA[A>T]CTTTGATAAAAATTACAAGGACTGGCAGTCTGCTGTAGAGTGTATCGCAGTGTTGGGTAA-3'
Protein context (NP_000170.1, residues 1029-1049): LKDCMRRLFY[Asn1039Ile]FDKNYKDWQS

ClinVar aggregate classification (germline): Uncertain significance (1 of 4 stars; one submission).

Conditions:
Hereditary cancer-predisposing syndrome. Also called: Neoplastic Syndromes, Hereditary; Tumor predisposition; Hereditary neoplastic syndrome; Hereditary Cancer Syndrome. Identifiers: Orphanet 140162, MedGen C0027672, MeSH D009386, MONDO:0015356.

Submission:

Ambry Genetics
Classification: Uncertain significance for Hereditary cancer-predisposing syndrome. Last evaluated: 2024-01-30. Review status: criteria provided, single submitter. Criteria: Ambry Variant Classification Scheme 2023. Collection method: clinical testing. Allele origin: germline.
Comment: The p.N1039I variant (also known as c.3116A>T), located in coding exon 4 of the MSH6 gene, results from an A to T substitution at nucleotide position 3116. The asparagine at codon 1039 is replaced by isoleucine, an amino acid with dissimilar properties. This amino acid position is conserved. In addition, this alteration is predicted to be deleterious by in silico analysis. Based on the available evidence, the clinical significance of this alteration remains unclear.